The following is an entry in ClinVar:

NM_001303.4(COX10):c.*438G>C

Gene: COX10 (cytochrome c oxidase assembly factor heme A:farnesyltransferase COX10; plus strand). Cytogenetic location: 17p12.
Variant type: single nucleotide variant.
Coding change: c.*438G>C on transcript NM_001303.4 (MANE Select); 438 bases downstream of the stop codon, G replaced by C.
Molecular consequence: 3 prime UTR variant.
Genome position (GRCh38, 1-based): chr17:14,207,651, G>C. VCF-style: chr17-14207651-G-C. GRCh37 (hg19) VCF-style: chr17-14110968-G-C.
Identifiers: ClinVar variation 321826 (VCV000321826.7), dbSNP rs75823746, ClinGen allele CA10648596.
Genomic context (GRCh38, chr17:14,207,651, plus strand): 5'-CACTTGGTGGCCAGAAAGTGTGAGCCTCATGATCTGCTGTCTGTAGTTCTGTGAGCTCAG[G>C]TCCCTCAAAGGCCTCGGAGCACCCCCTTCCTGGTGACTGAGCCAGGGCCTGCATTTTTGG-3'

ClinVar aggregate classification (germline): Benign/Likely benign. Review status: criteria provided, multiple submitters, no conflicts (2 of 4 stars). 4 submissions from 3 submitters: Benign (1); Likely benign (3). Last evaluated 2021-05-11.

Conditions:
Mitochondrial complex IV deficiency, nuclear type 1 (MC4DN1). Also called: COX DEFICIENCY; Mitochondrial complex IV deficiency; Complex 4 mitochondrial respiratory chain deficiency; Deficiency of mitochondrial respiratory chain complex4; Complex IV deficiency. Identifiers: MedGen C5435656, MONDO:0700250, OMIM 220110. Disease mechanism: loss of function.
Leigh syndrome (NULS). Also called: Leigh Disease; Subacute necrotizing encephalopathy; Necrotizing encephalopathy infantile subacute of Leigh; Leigh's necrotizing encephalopathy; Leigh's disease; Leigh's syndrome. Identifiers: Orphanet 506, MedGen C2931891, MONDO:0009723, OMIM 256000.

Allele frequency attached by ClinVar (database versions not stated): gnomAD 0.01767 and 0.01972; gnomAD exomes 0.02209; TOPMed 0.02269; 1000 Genomes Project 30x 0.03919; 1000 Genomes Project 0.03954.
gnomAD v4.1: 3,158 of 159,702 alleles (2%); highest among the groups gnomAD compares: East Asian, 9.4%; 68 homozygotes.

Submissions (4):

GeneDx
Classification: Likely benign. Last evaluated: 2021-05-11. Review status: criteria provided, single submitter. Criteria: GeneDx Variant Classification Process June 2021. Collection method: clinical testing. Allele origin: germline. Affected: yes.

Illumina Laboratory Services, Illumina
Classification: Benign for Leigh syndrome. Last evaluated: 2018-01-12. Review status: criteria provided, single submitter. Criteria: ICSL Variant Classification Criteria 13 December 2019. Collection method: clinical testing. Allele origin: germline.
Comment: This variant was observed in the ICSL laboratory as part of a predisposition screen in an ostensibly healthy population. It had not been previously curated by ICSL or reported in the Human Gene Mutation Database (HGMD: prior to June 1st, 2018), and was therefore a candidate for classification through an automated scoring system. Utilizing variant allele frequency, disease prevalence and penetrance estimates, and inheritance mode, an automated score was calculated to assess if this variant is too frequent to cause the disease. Based on the score and internal cut-off values, a variant classified as benign is not then subjected to further curation. The score for this variant resulted in a classification of benign for this disease.

Illumina Laboratory Services, Illumina
Classification: Likely benign for Mitochondrial complex IV deficiency, nuclear type 1. Last evaluated: 2018-01-12. Review status: criteria provided, single submitter. Criteria: ICSL Variant Classification Criteria 13 December 2019. Collection method: clinical testing. Allele origin: germline.
Comment: This variant was observed in the ICSL laboratory as part of a predisposition screen in an ostensibly healthy population. It had not been previously curated by ICSL or reported in the Human Gene Mutation Database (HGMD: prior to June 1st, 2018), and was therefore a candidate for classification through an automated scoring system. Utilizing variant allele frequency, disease prevalence and penetrance estimates, and inheritance mode, an automated score was calculated to assess if this variant is too frequent to cause the disease. Based on the score and internal cut-off values, a variant classified as likely benign is not then subjected to further curation. The score for this variant resulted in a classification of likely benign for this disease.

Breakthrough Genomics
Classification: Likely benign. Review status: criteria provided, single submitter. Criteria: ACMG Guidelines, 2015. Collection method: not provided. Allele origin: germline. Inheritance: Autosomal recessive inheritance. Affected: yes.